The following is an entry in ClinVar:

ClinVar aggregate classification (germline): Uncertain significance. Review status: criteria provided, multiple submitters, no conflicts (2 of 4 stars). 2 submissions from 2 submitters: Uncertain significance (2). Last evaluated 2024-03-06.

Conditions:
Cardiomyopathy (CMYO). Also called: Cardiomyopathies. Identifiers: Orphanet 167848, MedGen C0878544, MONDO:0004994, HP:0001638. Inheritance: Various modes of inheritance.
Cardiovascular phenotype. Identifiers: MedGen CN230736.

Allele frequency attached by ClinVar (database versions not stated): TOPMed below 0.00001; gnomAD exomes 0.00001.
gnomAD v4.1: 8 of 1,613,842 alleles (0.0005%); highest among the groups gnomAD compares: South Asian, 0.0066%; 1 homozygote.

Submissions (2):

Color Diagnostics, LLC DBA Color Health
Classification: Uncertain significance for Cardiomyopathy. Last evaluated: 2024-03-06. Review status: criteria provided, single submitter. Criteria: ACMG Guidelines, 2015. Collection method: clinical testing. Allele origin: germline.
Comment: This missense variant replaces cysteine with arginine at codon 898 of the DSC2 protein. Computational prediction suggests that this variant may have deleterious impact on protein structure and function (internally defined REVEL score threshold >= 0.7, PMID: 27666373). To our knowledge, functional studies have not been reported for this variant. This variant has not been reported in individuals affected with cardiovascular disorders in the literature. This variant has been identified in 2/251174 chromosomes in the general population by the Genome Aggregation Database (gnomAD). The available evidence is insufficient to determine the role of this variant in disease conclusively. Therefore, this variant is classified as a Variant of Uncertain Significance.

Ambry Genetics
Classification: Uncertain significance for Cardiovascular phenotype. Last evaluated: 2020-02-19. Review status: criteria provided, single submitter. Criteria: Ambry Variant Classification Scheme 2023. Collection method: clinical testing. Allele origin: germline.
Comment: The p.C898R variant (also known as c.2692T>C), located in coding exon 16 of the DSC2 gene, results from a T to C substitution at nucleotide position 2692. The cysteine at codon 898 is replaced by arginine, an amino acid with highly dissimilar properties. This amino acid position is highly conserved in available vertebrate species. In addition, this alteration is predicted to be deleterious by in silico analysis. Since supporting evidence is limited at this time, the clinical significance of this alteration remains unclear.

NM_024422.6(DSC2):c.2692T>C (p.Cys898Arg)

Gene: DSC2 (desmocollin 2; minus strand). Cytogenetic location: 18q12.1.
Variant type: single nucleotide variant.
Coding change: c.2692T>C on transcript NM_024422.6 (MANE Select); coding-DNA position 2692, T replaced by C.
Protein change: p.Cys898Arg; replaces cysteine 898 with arginine.
Molecular consequence: missense variant. On other transcripts: 3 prime UTR variant (1).
Genome position (GRCh38, 1-based): chr18:31,068,029, A>G on the plus strand (T>C on the coding strand, the complement: DSC2 is on the minus strand). VCF-style: chr18-31068029-A-G. GRCh37 (hg19) VCF-style: chr18-28647995-A-G.
Other names: c.*194T>C (NM_004949.5); short protein forms C898R.
Identifiers: ClinVar variation 1332455 (VCV001332455.5), dbSNP rs1027240725, ClinGen allele CA297685215.
Genomic context (GRCh38, chr18:31,068,029, plus strand): 5'-TAAAAGTCATAAAGCCACTGGCTTTCAGAGACTTATTAGAACACACTCATCTCTTCATGC[A>G]TGCTTCTGCTAGTGTCCTAAATTTGGGCTCCAAATTATCCAAAAATTCAAGCCCATCTTC-3'
Protein context (NP_077740.1, residues 888-901): EPKFRTLAEA[Cys898Arg]MKR